The following is an entry in ClinVar:

NM_001377.3(DYNC2H1):c.5874+113C>T

Gene: DYNC2H1 (dynein cytoplasmic 2 heavy chain 1; plus strand). Cytogenetic location: 11q22.3.
Variant type: single nucleotide variant.
Coding change: c.5874+113C>T on transcript NM_001377.3 (MANE Select); 113 bases into the intron after coding-DNA position 5874, C replaced by T.
Molecular consequence: intron variant.
Genome position (GRCh38, 1-based): chr11:103,176,547, C>T. VCF-style: chr11-103176547-C-T. GRCh37 (hg19) VCF-style: chr11-103047276-C-T.
Other names: c.5874+113C>T (NM_001080463.2).
Identifiers: ClinVar variation 676693 (VCV000676693.1), dbSNP rs7105913, ClinGen allele CA227400966.

ClinVar aggregate classification (germline): Benign (1 of 4 stars; one submission).

Allele frequency attached by ClinVar (database versions not stated): gnomAD exomes 0.00319; gnomAD 0.03781; 1000 Genomes Project 0.04313; TOPMed 0.04351; 1000 Genomes Project 30x 0.04778.
gnomAD v4.1: 8,248 of 870,206 alleles (0.95%); highest among the groups gnomAD compares: African/African-American, 13%; 527 homozygotes.

Submission:

GeneDx
Classification: Benign. Last evaluated: 2018-06-14. Review status: criteria provided, single submitter. Criteria: GeneDx Variant Classification (06012015). Collection method: clinical testing. Allele origin: germline. Affected: yes.
Comment: This variant is considered likely benign or benign based on one or more of the following criteria: it is a conservative change, it occurs at a poorly conserved position in the protein, it is predicted to be benign by multiple in silico algorithms, and/or has population frequency not consistent with disease.